The following is an entry in ClinVar:

ClinVar aggregate classification (germline): Uncertain significance (1 of 4 stars; one submission).

Conditions:
Developmental and epileptic encephalopathy 94 (DEE94). Also called: Epileptic encephalopathy, childhood-onset; CHD2-Related Neurodevelopmental Disorders. Identifiers: Orphanet 1942, Orphanet 2382, MedGen C3809278, MONDO:0014150, OMIM 615369.

Submission:

Labcorp Genetics (formerly Invitae), Labcorp
Classification: Uncertain significance for Developmental and epileptic encephalopathy 94. Last evaluated: 2024-10-22. Review status: criteria provided, single submitter. Criteria: Invitae Variant Classification Sherloc (09022015). Collection method: clinical testing. Allele origin: germline.
Comment: This sequence change falls in intron 29 of the CHD2 gene. It does not directly change the encoded amino acid sequence of the CHD2 protein. It affects a nucleotide within the consensus splice site. This variant is not present in population databases (gnomAD no frequency). This variant has not been reported in the literature in individuals affected with CHD2-related conditions. ClinVar contains an entry for this variant (Variation ID: 2025397). Variants that disrupt the consensus splice site are a relatively common cause of aberrant splicing (PMID: 17576681, 9536098). Algorithms developed to predict the effect of sequence changes on RNA splicing suggest that this variant is not likely to affect RNA splicing. In summary, the available evidence is currently insufficient to determine the role of this variant in disease. Therefore, it has been classified as a Variant of Uncertain Significance.

Literature cited by the submitters: PubMed 17576681; PubMed 9536098.

NM_001271.4(CHD2):c.3734+3G>T

Gene: CHD2 (chromodomain helicase DNA binding protein 2; plus strand). Cytogenetic location: 15q26.1.
Variant type: single nucleotide variant.
Coding change: c.3734+3G>T on transcript NM_001271.4 (MANE Select); 3 bases into the intron after coding-DNA position 3734, G replaced by T.
Molecular consequence: intron variant.
Genome position (GRCh38, 1-based): chr15:92,997,098, G>T. VCF-style: chr15-92997098-G-T. GRCh37 (hg19) VCF-style: chr15-93540328-G-T.
Identifiers: ClinVar variation 2025397 (VCV002025397.4), dbSNP rs1596447033, ClinGen allele CA2580090337.
Genomic context (GRCh38, chr15:92,997,098, plus strand): 5'-AAGAGGAGTTTGAGATGCTGCATAAATCTATCCCTGTGGACCCTGAAGAAAAAAAAAAGT[G>T]AGTATATTTTGTGTACATGCTTAGATGGTCGTACCGTAAGAAAATAGATTTGAAGTTAGA-3'